The following is an entry in ClinVar:

ClinVar aggregate classification (germline): Uncertain significance (1 of 4 stars; one submission).

Allele frequency attached by ClinVar (database versions not stated): ExAC 0.00001; gnomAD exomes 0.00001 and 0.00002.
gnomAD v4.1: 14 of 1,614,066 alleles (0.00087%); highest among the groups gnomAD compares: South Asian, 0.014%; no homozygotes.

Submission:

Labcorp Genetics (formerly Invitae), Labcorp
Classification: Uncertain significance. Last evaluated: 2020-12-04. Review status: criteria provided, single submitter. Criteria: Invitae Variant Classification Sherloc (09022015). Collection method: clinical testing. Allele origin: germline.
Comment: In summary, the available evidence is currently insufficient to determine the role of this variant in disease. Therefore, it has been classified as a Variant of Uncertain Significance. Algorithms developed to predict the effect of missense changes on protein structure and function output the following: SIFT: "Tolerated"; PolyPhen-2: "Benign"; Align-GVGD: "Class C0". The glutamine amino acid residue is found in multiple mammalian species, suggesting that this missense change does not adversely affect protein function. These predictions have not been confirmed by published functional studies and their clinical significance is uncertain. This variant has not been reported in the literature in individuals with IL2RB-related conditions. This variant is present in population databases (rs754837040, ExAC 0.006%). This sequence change replaces glutamic acid with glutamine at codon 329 of the IL2RB protein (p.Glu329Gln). The glutamic acid residue is weakly conserved and there is a small physicochemical difference between glutamic acid and glutamine.

NM_000878.5(IL2RB):c.985G>C (p.Glu329Gln)

Gene: IL2RB (interleukin 2 receptor subunit beta; minus strand). Cytogenetic location: 22q12.3.
Variant type: single nucleotide variant.
Coding change: c.985G>C on transcript NM_000878.5 (MANE Select); coding-DNA position 985, G replaced by C.
Protein change: p.Glu329Gln; replaces glutamic acid 329 with glutamine.
Molecular consequence: missense variant.
Genome position (GRCh38, 1-based): chr22:37,128,767, C>G on the plus strand (G>C on the coding strand, the complement: IL2RB is on the minus strand). VCF-style: chr22-37128767-C-G. GRCh37 (hg19) VCF-style: chr22-37524807-C-G.
Other names: c.985G>C, p.Glu329Gln (NM_001346222.1, NM_001346223.2); short protein forms E329Q.
Identifiers: ClinVar variation 1519795 (VCV001519795.6), dbSNP rs754837040, ClinGen allele CA10216449.
Genomic context (GRCh38, chr22:37,128,767, plus strand): 5'-AGGATGCGGGCTCAGGCACCTTGTCCTGCTGCAGGAGCAGCTGCGTCACCTTGTCCCTCT[C>G]CAGCACTTCTAGTGGCGAGATCTCAGGTGCCAGGCCGCCAGGGCTGAAGGACGATGAGGG-3'
Protein context (NP_000869.1, residues 319-339): APEISPLEVL[Glu329Gln]RDKVTQLLLQ